The following is an entry in ClinVar:

NM_000245.4(MET):c.1965+5G>A

Gene: MET (MET proto-oncogene, receptor tyrosine kinase; plus strand). Cytogenetic location: 7q31.2.
Variant type: single nucleotide variant.
Coding change: c.1965+5G>A on transcript NM_000245.4 (MANE Select); 5 bases into the intron after coding-DNA position 1965, G replaced by A.
Molecular consequence: intron variant.
Genome position (GRCh38, 1-based): chr7:116,757,544, G>A. VCF-style: chr7-116757544-G-A. GRCh37 (hg19) VCF-style: chr7-116397598-G-A.
Other names: c.1965+5G>A (NM_001127500.3, NM_001324401.3); c.675+5G>A (NM_001324402.2).
Identifiers: ClinVar variation 4648190 (VCV004648190.1).

ClinVar aggregate classification (germline): Uncertain significance (1 of 4 stars; one submission).

Conditions:
Hereditary cancer-predisposing syndrome. Also called: Neoplastic Syndromes, Hereditary; Tumor predisposition; Hereditary Cancer Syndrome; Hereditary neoplastic syndrome. Identifiers: Orphanet 140162, MedGen C0027672, MeSH D009386, MONDO:0015356.

Submission:

Ambry Genetics
Classification: Uncertain significance for Hereditary cancer-predisposing syndrome. Last evaluated: 2025-12-10. Review status: criteria provided, single submitter. Criteria: Ambry Variant Classification Scheme 2023. Collection method: clinical testing. Allele origin: germline.
Comment: The c.1965+5G>A intronic variant results from a G to A substitution 5 nucleotides after coding exon 6 in the MET gene. This nucleotide position is highly conserved in available vertebrate species. In silico splice site analysis for this alteration is inconclusive. Based on the available evidence, the clinical significance of this variant remains unclear.